The following is an entry in ClinVar:

ClinVar aggregate classification (germline): Uncertain significance (1 of 4 stars; one submission).

Conditions:
Hereditary cancer-predisposing syndrome. Also called: Tumor predisposition; Neoplastic Syndromes, Hereditary; Hereditary Cancer Syndrome; Hereditary neoplastic syndrome. Identifiers: Orphanet 140162, MedGen C0027672, MeSH D009386, MONDO:0015356.

Submission:

Ambry Genetics
Classification: Uncertain significance for Hereditary cancer-predisposing syndrome. Last evaluated: 2024-09-05. Review status: criteria provided, single submitter. Criteria: Ambry Variant Classification Scheme 2023. Collection method: clinical testing. Allele origin: germline.
Comment: The p.S421G variant (also known as c.1261A>G), located in coding exon 8 of the FLCN gene, results from an A to G substitution at nucleotide position 1261. The serine at codon 421 is replaced by glycine, an amino acid with similar properties. This amino acid position is conserved. In addition, the in silico prediction for this alteration is inconclusive. Based on the available evidence, the clinical significance of this variant remains unclear.

NM_144997.7(FLCN):c.1261A>G (p.Ser421Gly)

Gene: FLCN (folliculin; minus strand). Cytogenetic location: 17p11.2.
Variant type: single nucleotide variant.
Coding change: c.1261A>G on transcript NM_144997.7 (MANE Select); coding-DNA position 1261, A replaced by G.
Protein change: p.Ser421Gly; replaces serine 421 with glycine.
Molecular consequence: missense variant.
Genome position (GRCh38, 1-based): chr17:17,216,419, T>C on the plus strand (A>G on the coding strand, the complement: FLCN is on the minus strand). VCF-style: chr17-17216419-T-C. GRCh37 (hg19) VCF-style: chr17-17119733-T-C.
Other names: c.1315A>G, p.Ser439Gly (NM_001353229.2); c.1261A>G, p.Ser421Gly (NM_001353230.2, NM_001353231.2); short protein forms S439G, S421G.
Identifiers: ClinVar variation 3515645 (VCV003515645.1).